The following is an entry in ClinVar:

NM_020831.6(MRTFA):c.1219C>A (p.Pro407Thr)

Gene: MRTFA (myocardin related transcription factor A; minus strand). Cytogenetic location: 22q13.1.
Variant type: single nucleotide variant.
Coding change: c.1219C>A on transcript NM_020831.6 (MANE Select); coding-DNA position 1219, C replaced by A.
Protein change: p.Pro407Thr; replaces proline 407 with threonine.
Molecular consequence: missense variant.
Genome position (GRCh38, 1-based): chr22:40,420,539, G>T on the plus strand (C>A on the coding strand, the complement: MRTFA is on the minus strand). VCF-style: chr22-40420539-G-T. GRCh37 (hg19) VCF-style: chr22-40816543-G-T.
Other names: c.919C>A, p.Pro307Thr (NM_001282660.2); c.1069C>A, p.Pro357Thr (NM_001282661.3); c.1219C>A, p.Pro407Thr (NM_001282662.3); c.1024C>A, p.Pro342Thr (NM_001318139.2); short protein forms P307T, P342T, P357T, P407T.
Identifiers: ClinVar variation 2415946 (VCV002415946.6), dbSNP rs753496354, ClinGen allele CA10249744.

ClinVar aggregate classification (germline): Uncertain significance (1 of 4 stars; one submission).

gnomAD v4.1: 11 of 1,613,536 alleles (0.00068%); highest among the groups gnomAD compares: East Asian, 0.0022%; no homozygotes.

Submission:

Labcorp Genetics (formerly Invitae), Labcorp
Classification: Uncertain significance. Last evaluated: 2025-07-31. Review status: criteria provided, single submitter. Criteria: Invitae Variant Classification Sherloc (09022015). Collection method: clinical testing. Allele origin: germline.
Comment: This sequence change replaces proline, which is neutral and non-polar, with threonine, which is neutral and polar, at codon 307 of the MKL1 protein (p.Pro307Thr). This variant is present in population databases (rs753496354, gnomAD 0.006%). This variant has not been reported in the literature in individuals affected with MKL1-related conditions. ClinVar contains an entry for this variant (Variation ID: 2415946). An algorithm developed to predict the effect of missense changes on protein structure and function (PolyPhen-2) suggests that this variant is likely to be tolerated. In summary, the available evidence is currently insufficient to determine the role of this variant in disease. Therefore, it has been classified as a Variant of Uncertain Significance.